The following is an entry in ClinVar:

NM_001953.5(TYMP):c.1211T>C (p.Leu404Pro)

Genes: SCO2 (synthesis of cytochrome C oxidase 2; minus strand), TYMP (thymidine phosphorylase; minus strand), LOC130067862 (ATAC-STARR-seq lymphoblastoid silent region 13986; plus strand). Cytogenetic location: 22q13.33.
Variant type: single nucleotide variant.
Coding change: c.1211T>C on transcript NM_001953.5 (MANE Select); coding-DNA position 1211, T replaced by C.
Protein change: p.Leu404Pro; replaces leucine 404 with proline.
Molecular consequence: missense variant. On other transcripts: 5 prime UTR variant (1), intron variant (1).
Genome position (GRCh38, 1-based): chr22:50,526,090, A>G on the plus strand (T>C on the coding strand, the complement: TYMP is on the minus strand). VCF-style: chr22-50526090-A-G. GRCh37 (hg19) VCF-style: chr22-50964519-A-G.
Other names: c.1211T>C, p.Leu404Pro (NM_001113755.3, NM_001113756.3, NM_001257988.1); c.1226T>C, p.Leu409Pro (NM_001257989.1); c.-103T>C (NM_001169110.1); c.-14+156T>C (NM_001169109.2); short protein forms L404P, L409P.
Identifiers: ClinVar variation 4847392 (VCV004847392.1).
Genomic context (GRCh38, chr22:50,526,090, plus strand): 5'-AGCAGCTCTGCGCCCACCCCCAGGCGGAGCGGCTCCCCAGCGCGGCTGCGCCCGGCCCCG[A>G]GCTCGTGCAGCACCAGCGCCAGCGGCAGCGCCCGGACCAGCTCCACGGTGCCTGCGGGGA-3'
Protein context (NP_001944.1, residues 394-414): ALPLALVLHE[Leu404Pro]GAGRSRAGEP

ClinVar aggregate classification (germline): Uncertain significance (1 of 4 stars; one submission).

Submission:

Women's Health and Genetics/Laboratory Corporation of America, LabCorp
Classification: Uncertain significance. Last evaluated: 2026-03-09. Review status: criteria provided, single submitter. Criteria: LabCorp Variant Classification Summary - May 2015. Collection method: clinical testing. Allele origin: germline.
Comment: Variant summary: TYMP c.1211T>C (p.Leu404Pro) results in a non-conservative amino acid change in the encoded protein sequence. Algorithms developed to predict the effect of missense changes on protein structure and function all suggest that this variant is likely to be disruptive. The variant was absent in 83790 control chromosomes (gnomAD). c.1211T>C has been observed in individuals affected with Mitochondrial neurogastrointestinal encephalopathy (Benureau_2014, Corazza_2018). These data indicate that the variant may be associated with disease. To our knowledge, no experimental evidence demonstrating an impact on protein function has been reported. The following publications have been ascertained in the context of this evaluation (PMID: 25282463, 30582904). No submitters have cited clinical-significance assessments for this variant to ClinVar. Based on the evidence outlined above, the variant was classified as VUS-possibly pathogenic.

Literature cited by the submitters: PubMed 25282463; PubMed 30582904.